The following is an entry in ClinVar:

ClinVar aggregate classification (germline): Uncertain significance (1 of 4 stars; one submission).

Conditions:
Primary dilated cardiomyopathy (DCM). Also called: Dilated Cardiomyopathy. Identifiers: Orphanet 217604, MedGen C0007193, MeSH D002311, MONDO:0005021, HP:0001644. Inheritance: Various modes of inheritance.

Allele frequency attached by ClinVar (database versions not stated): TOPMed below 0.00001; gnomAD 0.00001.
gnomAD v4.1: 2 of 1,598,142 alleles (0.00013%); highest among the groups gnomAD compares: African/African-American, 0.0027%; no homozygotes.

Submission:

Labcorp Genetics (formerly Invitae), Labcorp
Classification: Uncertain significance for Primary dilated cardiomyopathy. Last evaluated: 2022-02-01. Review status: criteria provided, single submitter. Criteria: Invitae Variant Classification Sherloc (09022015). Collection method: clinical testing. Allele origin: germline.
Comment: In summary, the available evidence is currently insufficient to determine the role of this variant in disease. Therefore, it has been classified as a Variant of Uncertain Significance. Algorithms developed to predict the effect of sequence changes on RNA splicing suggest that this variant may disrupt the consensus splice site. This variant has not been reported in the literature in individuals affected with NEBL-related conditions. This variant is not present in population databases (gnomAD no frequency). This sequence change affects a donor splice site in intron 15 of the NEBL gene. It is expected to disrupt RNA splicing. Variants that disrupt the donor or acceptor splice site typically lead to a loss of protein function (PMID: 16199547), however the current clinical and genetic evidence is not sufficient to establish whether loss-of-function variants in NEBL cause disease.

Literature cited by the submitters: PubMed 16199547.

NM_006393.3(NEBL):c.1560+2T>C

Gene: NEBL (nebulette; minus strand). Cytogenetic location: 10p12.31.
Variant type: single nucleotide variant.
Coding change: c.1560+2T>C on transcript NM_006393.3 (MANE Select); the canonical splice donor site of the intron after coding-DNA position 1560, T replaced by C.
Molecular consequence: splice donor variant. On other transcripts: intron variant (9).
Genome position (GRCh38, 1-based): chr10:20,831,471, A>G on the plus strand (T>C on the coding strand, the complement: NEBL is on the minus strand). VCF-style: chr10-20831471-A-G. GRCh37 (hg19) VCF-style: chr10-21120400-A-G.
Other names: c.250-18531T>C (NM_001377326.1, NM_001377327.1, NM_001377328.1); c.358-18531T>C (NM_213569.2, NM_001173484.2, NM_001377322.1); c.301-18531T>C (NM_001377324.1); c.292-18531T>C (NM_001377325.1); c.310-18531T>C (NM_001377323.1).
Identifiers: ClinVar variation 1902035 (VCV001902035.5), dbSNP rs1234803843, ClinGen allele CA376097500.